The following is an entry in ClinVar:

NM_000052.7(ATP7A):c.484G>T (p.Asp162Tyr)

Gene: ATP7A (ATPase copper transporting alpha; plus strand). Cytogenetic location: Xq21.1.
Variant type: single nucleotide variant.
Coding change: c.484G>T on transcript NM_000052.7 (MANE Select); coding-DNA position 484, G replaced by T.
Protein change: p.Asp162Tyr; replaces aspartic acid 162 with tyrosine.
Molecular consequence: missense variant.
Genome position (GRCh38, 1-based): chrX:77,988,605, G>T. VCF-style: chrX-77988605-G-T. GRCh37 (hg19) VCF-style: chrX-77244101-G-T.
Other names: c.484G>T, p.Asp162Tyr (NM_001282224.2); short protein forms D162Y.
Identifiers: ClinVar variation 2002456 (VCV002002456.4), dbSNP rs2522290285, ClinGen allele CA413600059.

ClinVar aggregate classification (germline): Uncertain significance (1 of 4 stars; one submission).

Conditions:
Menkes kinky-hair syndrome (MNK). Also called: Copper transport disease; Menkes Disease; Classic Menkes Disease. Identifiers: Orphanet 565, MedGen C0022716, MONDO:0010651, OMIM 309400.
Cutis laxa, X-linked (OHS). Also called: EDS IX; Occipital horn syndrome. Identifiers: Orphanet 198, MedGen C0268353, MONDO:0010572, OMIM 304150.
X-linked distal spinal muscular atrophy type 3. Also called: ATP7A-Related Distal Motor Neuropathy; SPINAL MUSCULAR ATROPHY, DISTAL, X-LINKED RECESSIVE; NEURONOPATHY, DISTAL HEREDITARY MOTOR, X-LINKED; NEUROPATHY, DISTAL HEREDITARY MOTOR, X-LINKED. Identifiers: Orphanet 139557, MedGen C1845359, MONDO:0010338, OMIM 300489.

gnomAD v4.1: 1 of 1,211,839 alleles (0.000083%); highest among the groups gnomAD compares: Non-Finnish European, 0.00011%; no homozygotes.

Submission:

Labcorp Genetics (formerly Invitae), Labcorp
Classification: Uncertain significance for X-linked distal spinal muscular atrophy type 3; Cutis laxa, X-linked; Menkes kinky-hair syndrome. Last evaluated: 2023-10-03. Review status: criteria provided, single submitter. Criteria: Invitae Variant Classification Sherloc (09022015). Collection method: clinical testing. Allele origin: germline.
Comment: This sequence change replaces aspartic acid, which is acidic and polar, with tyrosine, which is neutral and polar, at codon 162 of the ATP7A protein (p.Asp162Tyr). This variant is not present in population databases (gnomAD no frequency). This variant has not been reported in the literature in individuals affected with ATP7A-related conditions. ClinVar contains an entry for this variant (Variation ID: 2002456). Advanced modeling of protein sequence and biophysical properties (such as structural, functional, and spatial information, amino acid conservation, physicochemical variation, residue mobility, and thermodynamic stability) performed at Invitae indicates that this missense variant is not expected to disrupt ATP7A protein function. In summary, the available evidence is currently insufficient to determine the role of this variant in disease. Therefore, it has been classified as a Variant of Uncertain Significance.